The following is an entry in ClinVar:

ClinVar aggregate classification (germline): Likely pathogenic (1 of 4 stars; one submission).

Conditions:
Charcot-Marie-Tooth disease axonal type 2C (HMSN2C). Also called: Charcot-Marie-Tooth Disease Type 2, TRPV4-Related (CMT2C); CHARCOT-MARIE-TOOTH DISEASE, AXONAL, AUTOSOMAL DOMINANT, TYPE 2C; Charcot-Marie-Tooth Neuropathy Type 2C. Identifiers: Orphanet 99937, MedGen C1853710, MONDO:0011633, OMIM 606071.

Submission:

Centre for Mendelian Genomics, University Medical Centre Ljubljana
Classification: Likely pathogenic for Charcot-Marie-Tooth disease axonal type 2C. Last evaluated: 2019-07-10. Review status: criteria provided, single submitter. Criteria: ACMG Guidelines, 2015. Collection method: clinical testing. Allele origin: unknown. Affected: yes.
Comment: This variant was classified as: Likely pathogenic. The following ACMG criteria were applied in classifying this variant: PM1,PM2,PM5,PP3.

NM_021625.5(TRPV4):c.1771T>A (p.Tyr591Asn)

Gene: TRPV4 (transient receptor potential cation channel subfamily V member 4; minus strand). Cytogenetic location: 12q24.11.
Variant type: single nucleotide variant.
Coding change: c.1771T>A on transcript NM_021625.5 (MANE Select); coding-DNA position 1771, T replaced by A.
Protein change: p.Tyr591Asn; replaces tyrosine 591 with asparagine.
Molecular consequence: missense variant.
Genome position (GRCh38, 1-based): chr12:109,792,705, A>T on the plus strand (T>A on the coding strand, the complement: TRPV4 is on the minus strand). VCF-style: chr12-109792705-A-T. GRCh37 (hg19) VCF-style: chr12-110230510-A-T.
Other names: c.1630T>A, p.Tyr544Asn (NM_001177428.2); c.1669T>A, p.Tyr557Asn (NM_001177431.2); c.1450T>A, p.Tyr484Asn (NM_001177433.2); c.1591T>A, p.Tyr531Asn (NM_147204.3); short protein forms Y591N, Y544N, Y484N, Y531N, Y557N.
Identifiers: ClinVar variation 931090 (VCV000931090.3), dbSNP rs1890124015, ClinGen allele CA386652253.